The following is an entry in ClinVar:

NM_012186.3(FOXE3):c.196C>G (p.Pro66Ala)

Genes: FOXE3 (forkhead box E3; plus strand), LINC01389 (long intergenic non-protein coding RNA 1389; minus strand). Cytogenetic location: 1p33.
Variant type: single nucleotide variant.
Coding change: c.196C>G on transcript NM_012186.3 (MANE Select); coding-DNA position 196, C replaced by G.
Protein change: p.Pro66Ala; replaces proline 66 with alanine.
Molecular consequence: missense variant.
Genome position (GRCh38, 1-based): chr1:47,416,511, C>G. VCF-style: chr1-47416511-C-G. GRCh37 (hg19) VCF-style: chr1-47882183-C-G.
Other names: short protein forms P66A.
Identifiers: ClinVar variation 1783583 (VCV001783583.2), dbSNP rs2124041990, ClinGen allele CA340249218.

ClinVar aggregate classification (germline): Uncertain significance (1 of 4 stars; one submission).

Conditions:
Cardiovascular phenotype. Identifiers: MedGen CN230736.

Allele frequency attached by ClinVar (database versions not stated): gnomAD exomes below 0.00001.

Submission:

Ambry Genetics
Classification: Uncertain significance for Cardiovascular phenotype. Last evaluated: 2022-06-14. Review status: criteria provided, single submitter. Criteria: Ambry Variant Classification Scheme 2023. Collection method: clinical testing. Allele origin: germline.
Comment: The p.P66A variant (also known as c.196C>G), located in coding exon 1 of the FOXE3 gene, results from a C to G substitution at nucleotide position 196. The proline at codon 66 is replaced by alanine, an amino acid with highly similar properties. This amino acid position is conserved. In addition, the in silico prediction for this alteration is inconclusive. Since supporting evidence is limited at this time, the clinical significance of this alteration remains unclear.